The following is an entry in ClinVar:

ClinVar aggregate classification (germline): Uncertain significance (1 of 4 stars; one submission).

Conditions:
Duchenne muscular dystrophy (DMD). Also called: Duchenne Muscular Dystrophy (DMD); MUSCULAR DYSTROPHY, PSEUDOHYPERTROPHIC PROGRESSIVE, DUCHENNE TYPE. Identifiers: Orphanet 98896, MedGen C0013264, MONDO:0010679, OMIM 310200.

Submission:

Labcorp Genetics (formerly Invitae), Labcorp
Classification: Uncertain significance for Duchenne muscular dystrophy. Last evaluated: 2022-03-12. Review status: criteria provided, single submitter. Criteria: Invitae Variant Classification Sherloc (09022015). Collection method: clinical testing. Allele origin: germline.
Comment: This variant results in a copy number gain of the genomic region encompassing exon(s) 77-79 of the DMD gene. This region includes the termination codon of the gene. This copy number gain extends beyond the assayed region for this gene and therefore may encompass additional genes. As the precise location of this event is unknown, it may be in tandem or it may be located elsewhere in the genome. This variant has not been reported in the literature in individuals affected with DMD-related conditions. In summary, the available evidence is currently insufficient to determine the role of this variant in disease. Therefore, it has been classified as a Variant of Uncertain Significance.

NC_000023.10:g.(?_31140036)_(31152331_?)dup

Gene: DMD (dystrophin; minus strand). Cytogenetic location: Xp21.2.
Variant type: Duplication.
Identifiers: ClinVar variation 2424869 (VCV002424869.4).